The following is an entry in ClinVar:

ClinVar aggregate classification (germline): Uncertain significance (1 of 4 stars; one submission).

Conditions:
Neuronal ceroid lipofuscinosis 1 (CLN1). Also called: CEROID LIPOFUSCINOSIS, NEURONAL, 1, VARIABLE AGE AT ONSET; PPT1-Related Neuronal Ceroid-Lipofuscinosis. Identifiers: Orphanet 228329, MedGen C1850451, MONDO:0009744, OMIM 256730.

Submission:

Labcorp Genetics (formerly Invitae), Labcorp
Classification: Uncertain significance for Neuronal ceroid lipofuscinosis 1. Last evaluated: 2022-02-10. Review status: criteria provided, single submitter. Criteria: Invitae Variant Classification Sherloc (09022015). Collection method: clinical testing. Allele origin: germline.
Comment: This variant results in a copy number gain of the genomic region encompassing exon(s) 9 of the PPT1 gene. This region includes the termination codon of the gene. This copy number gain extends beyond the assayed region for this gene and therefore may encompass additional genes. As the precise location of this event is unknown, it may be in tandem or it may be located elsewhere in the genome. This variant has not been reported in the literature in individuals affected with PPT1-related conditions. Experimental studies and prediction algorithms are not available or were not evaluated, and the functional significance of this variant is currently unknown. In summary, the available evidence is currently insufficient to determine the role of this variant in disease. Therefore, it has been classified as a Variant of Uncertain Significance.

NC_000001.10:g.(?_40539733)_(40539875_?)dup

Gene: PPT1 (palmitoyl-protein thioesterase 1; minus strand). Cytogenetic location: 1p34.2.
Variant type: Duplication.
Identifiers: ClinVar variation 2422852 (VCV002422852.3).